The following is an entry in ClinVar:

ClinVar aggregate classification (germline): Uncertain significance (1 of 4 stars; one submission).

Conditions:
Familial infantile myasthenia (CMS6). Also called: MYASTHENIC SYNDROME, CONGENITAL, 6, PRESYNAPTIC; Congenital myasthenic syndrome type 6; MYASTHENIC SYNDROME, PRESYNAPTIC, CONGENITAL, ASSOCIATED WITH EPISODIC APNEA. Identifiers: Orphanet 590, MedGen C0393929, MONDO:0009689, OMIM 254210.

Allele frequency attached by ClinVar (database versions not stated): gnomAD exomes below 0.00001; TOPMed below 0.00001; gnomAD 0.00001.
gnomAD v4.1: 2 of 1,613,618 alleles (0.00012%); highest among the groups gnomAD compares: Non-Finnish European, 0.00017%; no homozygotes.

Submission:

Labcorp Genetics (formerly Invitae), Labcorp
Classification: Uncertain significance for Familial infantile myasthenia. Last evaluated: 2022-03-06. Review status: criteria provided, single submitter. Criteria: Invitae Variant Classification Sherloc (09022015). Collection method: clinical testing. Allele origin: germline.
Comment: Advanced modeling of protein sequence and biophysical properties (such as structural, functional, and spatial information, amino acid conservation, physicochemical variation, residue mobility, and thermodynamic stability) performed at Invitae indicates that this missense variant is not expected to disrupt CHAT protein function. This variant has not been reported in the literature in individuals affected with CHAT-related conditions. This variant is not present in population databases (gnomAD no frequency). This sequence change replaces alanine, which is neutral and non-polar, with valine, which is neutral and non-polar, at codon 221 of the CHAT protein (p.Ala221Val). In summary, the available evidence is currently insufficient to determine the role of this variant in disease. Therefore, it has been classified as a Variant of Uncertain Significance.

NM_020549.5(CHAT):c.662C>T (p.Ala221Val)

Gene: CHAT (choline O-acetyltransferase; plus strand). Cytogenetic location: 10q11.23.
Variant type: single nucleotide variant.
Coding change: c.662C>T on transcript NM_020549.5 (MANE Select); coding-DNA position 662, C replaced by T.
Protein change: p.Ala221Val; replaces alanine 221 with valine.
Molecular consequence: missense variant.
Genome position (GRCh38, 1-based): chr10:49,620,577, C>T. VCF-style: chr10-49620577-C-T. GRCh37 (hg19) VCF-style: chr10-50828623-C-T.
Other names: c.308C>T, p.Ala103Val (NM_001142929.2, NM_001142934.2, NM_020984.4 and 2 more transcripts); c.416C>T, p.Ala139Val (NM_001142933.2); short protein forms A139V, A103V, A221V.
Identifiers: ClinVar variation 1933323 (VCV001933323.5), dbSNP rs1375003470, ClinGen allele CA376727685.